The following is an entry in ClinVar:

ClinVar aggregate classification (germline): Conflicting classifications of pathogenicity. Review status: criteria provided, conflicting classifications (1 of 4 stars). 3 submissions from 3 submitters: Uncertain significance (2); Likely benign (1). Last evaluated 2025-09-14.

Conditions:
C1QTNF5-related disorder. Also called: C1QTNF5-related condition.

gnomAD v4.1: 5 of 1,612,612 alleles (0.00031%); highest among the groups gnomAD compares: African/African-American, 0.0013%; no homozygotes.

Submissions (3):

PreventionGenetics, part of Exact Sciences
Classification: Likely benign for C1QTNF5-related condition. Last evaluated: 2025-09-14. Review status: criteria provided, single submitter. Criteria: ACMG Guidelines, 2015. Collection method: clinical testing. Allele origin: germline.
Comment: This variant is classified as likely benign based on ACMG/AMP sequence variant interpretation guidelines (Richards et al. 2015 PMID: 25741868, with internal and published modifications).

Labcorp Genetics (formerly Invitae), Labcorp
Classification: Uncertain significance. Last evaluated: 2024-10-17. Review status: criteria provided, single submitter. Criteria: Invitae Variant Classification Sherloc (09022015). Collection method: clinical testing. Allele origin: germline.
Comment: This sequence change affects codon 141 of the C1QTNF5 mRNA. It is a 'silent' change, meaning that it does not change the encoded amino acid sequence of the C1QTNF5 protein. This variant is present in population databases (no rsID available, gnomAD 0.004%). This variant has not been reported in the literature in individuals affected with C1QTNF5-related conditions. Algorithms developed to predict the effect of sequence changes on RNA splicing suggest that this variant may create or strengthen a splice site. In summary, the available evidence is currently insufficient to determine the role of this variant in disease. Therefore, it has been classified as a Variant of Uncertain Significance.

Blueprint Genetics
Classification: Uncertain significance. Last evaluated: 2022-03-16. Review status: criteria provided, single submitter. Criteria: ACMG Guidelines, 2015. Collection method: clinical testing. Allele origin: germline.

NM_001278431.2(C1QTNF5):c.423C>T (p.Gly141=)

Genes: C1QTNF5 (C1q and TNF related 5; minus strand), MFRP (membrane frizzled-related protein; minus strand). Cytogenetic location: 11q23.3.
Variant type: single nucleotide variant.
Coding change: c.423C>T on transcript NM_001278431.2 (MANE Select); coding-DNA position 423, C replaced by T.
Protein change: p.Gly141=; no amino-acid change (glycine 141 retained).
Molecular consequence: synonymous variant. On other transcripts: 3 prime UTR variant (1).
Genome position (GRCh38, 1-based): chr11:119,339,640, G>A on the plus strand (C>T on the coding strand, the complement: C1QTNF5 is on the minus strand). VCF-style: chr11-119339640-G-A. GRCh37 (hg19) VCF-style: chr11-119210350-G-A.
Other names: c.423C>T, p.Gly141= (NM_015645.5); c.*1319C>T (NM_031433.4); c.423C>T (NM_001278431.1).
Identifiers: ClinVar variation 3605016 (VCV003605016.4).
Genomic context (GRCh38, chr11:119,339,640, plus strand): 5'-CCGGTAGACGGTGGCATGGACGGCGAAGTAGTAGACCCCAGGCACCTGGCAGGTGAACTT[G>A]CCGGTGACGGCGTCGTAATGTCCCTGCTCGTTCACCAGCACGCGGTCGAAGGGCAAGGGT-3'
Protein context (NP_001265360.1, residues 131-151): NEQGHYDAVT[Gly141=]KFTCQVPGVY